The following is an entry in ClinVar:

ClinVar aggregate classification (germline): Uncertain significance. Review status: criteria provided, multiple submitters, no conflicts (2 of 4 stars). 3 submissions from 3 submitters: Uncertain significance (3). Last evaluated 2026-01-26.

Conditions:
Hereditary spastic paraplegia. Also called: Familial spastic paraparesis. Identifiers: Orphanet 685, MedGen C0037773, MONDO:0019064. Disease mechanism: loss of function.

Allele frequency attached by ClinVar (database versions not stated): gnomAD 0.00011; TOPMed 0.00015; gnomAD exomes 0.00018 and 0.00019; ExAC 0.00025.
gnomAD v4.1: 285 of 1,610,132 alleles (0.018%); highest among the groups gnomAD compares: South Asian, 0.046%; 2 homozygotes.

Submissions (3):

Labcorp Genetics (formerly Invitae), Labcorp
Classification: Uncertain significance for Hereditary spastic paraplegia. Last evaluated: 2026-01-26. Review status: criteria provided, single submitter. Criteria: Invitae Variant Classification Sherloc (09022015). Collection method: clinical testing. Allele origin: germline.
Comment: This sequence change creates a premature translational stop signal (p.Arg1112*) in the USP8 gene. While this is not anticipated to result in nonsense mediated decay, it is expected to disrupt the last 7 amino acid(s) of the USP8 protein. This variant is present in population databases (rs142928952, gnomAD 0.04%). This variant has not been reported in the literature in individuals affected with USP8-related conditions. ClinVar contains an entry for this variant (Variation ID: 943330). In summary, the available evidence is currently insufficient to determine the role of this variant in disease. Therefore, it has been classified as a Variant of Uncertain Significance.

Mendelics
Classification: Uncertain significance. Last evaluated: 2022-05-04. Review status: criteria provided, single submitter. Criteria: Mendelics Assertion Criteria 2019. Collection method: clinical testing. Allele origin: germline.

Breakthrough Genomics
Classification: Uncertain significance. Review status: criteria provided, single submitter. Criteria: ACMG Guidelines, 2015. Collection method: not provided. Allele origin: germline. Inheritance: Autosomal recessive inheritance. Affected: yes.

NM_005154.5(USP8):c.3334C>T (p.Arg1112Ter)

Genes: USP50 (ubiquitin specific peptidase 50; minus strand), USP8 (ubiquitin specific peptidase 8; plus strand). Cytogenetic location: 15q21.2.
Variant type: single nucleotide variant.
Coding change: c.3334C>T on transcript NM_005154.5 (MANE Select); coding-DNA position 3334, C replaced by T.
Protein change: p.Arg1112Ter; replaces arginine 1112 with a stop codon.
Molecular consequence: nonsense.
Genome position (GRCh38, 1-based): chr15:50,499,065, C>T. VCF-style: chr15-50499065-C-T. GRCh37 (hg19) VCF-style: chr15-50791262-C-T.
Other names: c.3016C>T, p.Arg1006Ter (NM_001283049.2); c.3334C>T, p.Arg1112Ter (NM_001128610.3); short protein forms R1112*, R1006*.
Identifiers: ClinVar variation 943330 (VCV000943330.7), dbSNP rs142928952, ClinGen allele CA7556210.